The following is an entry in ClinVar:

NM_001291303.3(FAT4):c.3580G>A (p.Ala1194Thr)

Gene: FAT4 (FAT atypical cadherin 4; plus strand). Cytogenetic location: 4q28.1.
Variant type: single nucleotide variant.
Coding change: c.3580G>A on transcript NM_001291303.3 (MANE Select); coding-DNA position 3580, G replaced by A.
Protein change: p.Ala1194Thr; replaces alanine 1194 with threonine.
Molecular consequence: missense variant.
Genome position (GRCh38, 1-based): chr4:125,319,991, G>A. VCF-style: chr4-125319991-G-A. GRCh37 (hg19) VCF-style: chr4-126241146-G-A.
Other names: c.3580G>A, p.Ala1194Thr (NM_001291285.3, NM_024582.6); short protein forms A1194T.
Identifiers: ClinVar variation 2042619 (VCV002042619.3), dbSNP rs775076593, ClinGen allele CA3072331.

ClinVar aggregate classification (germline): Uncertain significance. Review status: criteria provided, multiple submitters, no conflicts (2 of 4 stars). 2 submissions from 2 submitters: Uncertain significance (2). Last evaluated 2022-04-10.

Conditions:
Inborn genetic diseases. Identifiers: MedGen C0950123, MeSH D030342.

Allele frequency attached by ClinVar (database versions not stated): gnomAD exomes 0.00002; ExAC 0.00004.
gnomAD v4.1: 29 of 1,612,882 alleles (0.0018%); highest among the groups gnomAD compares: South Asian, 0.026%; 1 homozygote.

Submissions (2):

Labcorp Genetics (formerly Invitae), Labcorp
Classification: Uncertain significance. Last evaluated: 2022-04-10. Review status: criteria provided, single submitter. Criteria: Invitae Variant Classification Sherloc (09022015). Collection method: clinical testing. Allele origin: germline.
Comment: In summary, the available evidence is currently insufficient to determine the role of this variant in disease. Therefore, it has been classified as a Variant of Uncertain Significance. Advanced modeling of protein sequence and biophysical properties (such as structural, functional, and spatial information, amino acid conservation, physicochemical variation, residue mobility, and thermodynamic stability) performed at Invitae indicates that this missense variant is not expected to disrupt FAT4 protein function. This variant has not been reported in the literature in individuals affected with FAT4-related conditions. This variant is present in population databases (rs775076593, gnomAD 0.02%). This sequence change replaces alanine, which is neutral and non-polar, with threonine, which is neutral and polar, at codon 1194 of the FAT4 protein (p.Ala1194Thr).

Ambry Genetics
Classification: Uncertain significance for Inborn genetic diseases. Last evaluated: 2021-01-13. Review status: criteria provided, single submitter. Criteria: Ambry Variant Classification Scheme 2023. Collection method: clinical testing. Allele origin: germline.